The following is an entry in ClinVar:

NM_024642.5(GALNT12):c.1509T>C (p.Pro503=)

Gene: GALNT12 (polypeptide N-acetylgalactosaminyltransferase 12; plus strand). Cytogenetic location: 9q22.33.
Variant type: single nucleotide variant.
Coding change: c.1509T>C on transcript NM_024642.5 (MANE Select); coding-DNA position 1509, T replaced by C.
Protein change: p.Pro503=; no amino-acid change (proline 503 retained).
Molecular consequence: synonymous variant.
Genome position (GRCh38, 1-based): chr9:98,846,027, T>C. VCF-style: chr9-98846027-T-C. GRCh37 (hg19) VCF-style: chr9-101608309-T-C.
Identifiers: ClinVar variation 1774146 (VCV001774146.3), dbSNP rs1836405863, ClinGen allele CA466425260.

ClinVar aggregate classification (germline): Benign/Likely benign. Review status: criteria provided, multiple submitters, no conflicts (2 of 4 stars). 2 submissions from 2 submitters: Benign (1); Likely benign (1). Last evaluated 2026-04-27.

Conditions:
Colorectal cancer, susceptibility to, 1. Also called: COLORECTAL ADENOMA AND CANCER, SUSCEPTIBILITY TO; COLORECTAL CANCER, SUSCEPTIBILITY TO, ON CHROMOSOME 9. Identifiers: MedGen C1837315, MONDO:0012132, OMIM 608812.

Submissions (2):

Myriad Genetics, Inc.
Classification: Benign for Colorectal cancer, susceptibility to, 1. Last evaluated: 2026-04-27. Review status: criteria provided, single submitter. Criteria: Myriad Autosomal Dominant, Autosomal Recessive and X-Linked Classification Criteria (2023). Collection method: clinical testing. Allele origin: unknown.
Comment: This variant is considered benign. This variant is a silent/synonymous amino acid change and it is not expected to impact splicing.

Ambry Genetics
Classification: Likely benign. Last evaluated: 2021-12-14. Review status: criteria provided, single submitter. Criteria: Ambry Variant Classification Scheme 2023. Collection method: clinical testing. Allele origin: germline.